The following is an entry in ClinVar:

NM_004990.4(MARS1):c.1547A>G (p.Tyr516Cys)

Gene: MARS1 (methionyl-tRNA synthetase 1; plus strand). Cytogenetic location: 12q13.3.
Variant type: single nucleotide variant.
Coding change: c.1547A>G on transcript NM_004990.4 (MANE Select); coding-DNA position 1547, A replaced by G.
Protein change: p.Tyr516Cys; replaces tyrosine 516 with cysteine.
Molecular consequence: missense variant.
Genome position (GRCh38, 1-based): chr12:57,512,015, A>G. VCF-style: chr12-57512015-A-G. GRCh37 (hg19) VCF-style: chr12-57905798-A-G.
Other names: short protein forms Y516C.
Identifiers: ClinVar variation 1172762 (VCV001172762.3), dbSNP rs774227542, ClinGen allele CA6650550.
Genomic context (GRCh38, chr12:57,512,015, plus strand): 5'-AGTTTGAGACTTTGGATTGGTCCCTAACATGTTTACCTCCTTCTGACCTCCAGGTATTCT[A>G]TGTCTGGTTTGATGCCACTATTGGCTATCTGTCCATCACAGCCAACTACACAGACCAGTG-3'
Protein context (NP_004981.2, residues 506-526): PLEGFEDKVF[Tyr516Cys]VWFDATIGYL

ClinVar aggregate classification (germline): Conflicting classifications of pathogenicity. Review status: criteria provided, conflicting classifications (1 of 4 stars). 2 submissions from 2 submitters: Likely pathogenic (1); Uncertain significance (1). Last evaluated 2026-04-16.

Conditions:
Severe early-onset pulmonary alveolar proteinosis due to MARS deficiency. Also called: PULMONARY ALVEOLAR PROTEINOSIS, REUNION ISLAND; Interstitial lung and liver disease. Identifiers: Orphanet 440427, MedGen C4225400, MONDO:0014206, OMIM 615486.

Allele frequency attached by ClinVar (database versions not stated): gnomAD 0.00001; ExAC 0.00001; TOPMed 0.00002; gnomAD exomes 0.00001.
gnomAD v4.1: 14 of 1,613,908 alleles (0.00087%); highest among the groups gnomAD compares: East Asian, 0.0089%; no homozygotes.

Submissions (2):

GeneDx
Classification: Uncertain significance. Last evaluated: 2026-04-16. Review status: criteria provided, single submitter. Criteria: GeneDx Variant Classification Process June 2021. Collection method: clinical testing. Allele origin: germline.
Comment: Seen in a patient with interstitial lung and liver disease who harbored an additional MARS2 variant in unknown phase (PMID: 34298581); In silico analysis supports that this missense variant has a deleterious effect on protein structure/function; This variant is associated with the following publications: (PMID: 34298581)

The Laboratory of Genetics and Metabolism, Hunan Children’s Hospital
Classification: Likely pathogenic for Severe early-onset pulmonary alveolar proteinosis due to MARS deficiency. Last evaluated: 2021-03-06. Review status: criteria provided, single submitter. Criteria: ACMG Guidelines, 2015. Collection method: research. Allele origin: germline. Affected: yes. Observed: 1 variant allele.
Comment: In compound heterozygosity following autosomal recessive inheritance.

Literature cited by the submitters: PubMed 34298581 (cited by The Laboratory of Genetics and Metabolism, Hunan Children’s Hospital).